The following is an entry in ClinVar:

ClinVar aggregate classification (germline): Uncertain significance (1 of 4 stars; one submission).

Conditions:
Inborn genetic diseases. Identifiers: MedGen C0950123, MeSH D030342.

Submission:

Ambry Genetics
Classification: Uncertain significance for Inborn genetic diseases. Last evaluated: 2025-06-01. Review status: criteria provided, single submitter. Criteria: Ambry Variant Classification Scheme 2023. Collection method: clinical testing. Allele origin: germline.
Comment: The p.F665V variant (also known as c.1993T>G), located in coding exon 14 of the ERCC6L2 gene, results from a T to G substitution at nucleotide position 1993. The phenylalanine at codon 665 is replaced by valine, an amino acid with highly similar properties. This amino acid position is conserved. In addition, this alteration is predicted to be deleterious by in silico analysis. Based on the available evidence, the clinical significance of this variant remains unclear.

NM_020207.7(ERCC6L2):c.1993T>G (p.Phe665Val)

Gene: ERCC6L2 (ERCC excision repair 6 like 2; plus strand). Cytogenetic location: 9q22.32.
Variant type: single nucleotide variant.
Coding change: c.1993T>G on transcript NM_020207.7 (MANE Select); coding-DNA position 1993, T replaced by G.
Protein change: p.Phe665Val; replaces phenylalanine 665 with valine.
Molecular consequence: missense variant. On other transcripts: non-coding transcript variant (1).
Genome position (GRCh38, 1-based): chr9:95,966,607, T>G. VCF-style: chr9-95966607-T-G. GRCh37 (hg19) VCF-style: chr9-98728889-T-G.
Other names: c.1993T>G, p.Phe665Val (NM_001010895.4, NM_001375291.1, NM_001375292.1 and 2 more transcripts); short protein forms F665V.
Identifiers: ClinVar variation 4019392 (VCV004019392.1).
Genomic context (GRCh38, chr9:95,966,607, plus strand): 5'-TTTTTTCTGTTTTAGCAACTTCACTGTGTGGTGGTTGGAAGTGAAAATGCCAAACGATAT[T>G]TTGAAGCAGTTCAAGGATCTAAAGAGCATCAAGGAGAGCTTTTTGGGATCCATAACCTCT-3'
Protein context (NP_064592.3, residues 655-675): VVGSENAKRY[Phe665Val]EAVQGSKEHQ